The following is an entry in ClinVar:

NM_014363.6(SACS):c.10497C>A (p.Tyr3499Ter)

Gene: SACS (sacsin molecular chaperone; minus strand). Cytogenetic location: 13q12.12.
Variant type: single nucleotide variant.
Coding change: c.10497C>A on transcript NM_014363.6 (MANE Select); coding-DNA position 10497, C replaced by A.
Protein change: p.Tyr3499Ter; replaces tyrosine 3499 with a stop codon.
Molecular consequence: nonsense.
Genome position (GRCh38, 1-based): chr13:23,333,379, G>T on the plus strand (C>A on the coding strand, the complement: SACS is on the minus strand). VCF-style: chr13-23333379-G-T. GRCh37 (hg19) VCF-style: chr13-23907518-G-T.
Other names: c.10056C>A, p.Tyr3352Ter (NM_001278055.2); short protein forms Y3499*, Y3352*.
Identifiers: ClinVar variation 370231 (VCV000370231.12), dbSNP rs755186798, ClinGen allele CA16041607.
Genomic context (GRCh38, chr13:23,333,379, plus strand): 5'-TTCAAAAAGTTGTTCCTTAATCTCTGATAATTCCTCAGCACTTGATAATCTATTCTTAAG[G>T]TAGATCAAGTGCTCTAATTTTGCATCATAAGAGAGATTTTCAATTTTTGGTAAGAGGTGT-3'

ClinVar aggregate classification (germline): Pathogenic/Likely pathogenic. Review status: criteria provided, multiple submitters, no conflicts (2 of 4 stars). 4 submissions from 4 submitters: Pathogenic (2); Likely pathogenic (1). 1 of the submissions does not count toward it. Last evaluated 2023-03-02.

Conditions:
Charlevoix-Saguenay spastic ataxia (SACS). Also called: Spastic ataxia of Charlevoix-Saguenay; AUTOSOMAL RECESSIVE SPASTIC ATAXIA OF CHARLEVOIX-SAGUENAY; SPASTIC ATAXIA 6, AUTOSOMAL RECESSIVE. Identifiers: Orphanet 98, MedGen C1849140, MONDO:0010041, OMIM 270550.
Spastic paraplegia. Identifiers: MedGen C0037772, HP:0001258.
SACS-related disorder. Also called: SACS-related condition.

gnomAD v4.1: 1 of 1,602,782 alleles (0.000062%); highest among the groups gnomAD compares: Non-Finnish European, 0.000085%; no homozygotes.

Submissions (4):

Labcorp Genetics (formerly Invitae), Labcorp
Classification: Pathogenic for Spastic paraplegia. Last evaluated: 2023-03-02. Review status: criteria provided, single submitter. Criteria: Invitae Variant Classification Sherloc (09022015). Collection method: clinical testing. Allele origin: germline.
Comment: For these reasons, this variant has been classified as Pathogenic. This variant disrupts a region of the SACS protein in which other variant(s) (p.Tyr4538*) have been determined to be pathogenic (Invitae). This suggests that this is a clinically significant region of the protein, and that variants that disrupt it are likely to be disease-causing. This variant has not been reported in the literature in individuals affected with SACS-related conditions. This sequence change creates a premature translational stop signal (p.Tyr3499*) in the SACS gene. While this is not anticipated to result in nonsense mediated decay, it is expected to disrupt the last 1081 amino acid(s) of the SACS protein. This variant is not present in population databases (gnomAD no frequency). ClinVar contains an entry for this variant (Variation ID: 370231).

Blueprint Genetics
Classification: Likely pathogenic for SACS-related disorders. Last evaluated: 2023-01-20. Review status: criteria provided, single submitter. Criteria: ACMG Guidelines, 2015. Collection method: clinical testing. Allele origin: germline. Affected: yes. Observed: 1 variant allele.

PROSPAX: an integrated multimodal progression  chart in spastic ataxias, Center for Neurology; Hertie-Institute for Clinical Brain Research
Classification: Pathogenic for Charlevoix-Saguenay spastic ataxia. Last evaluated: 2022-01-01. Review status: criteria provided, single submitter. Criteria: ACMG Guidelines, 2015. Collection method: research. Allele origin: germline. Affected: yes. Observed: 1 variant allele, 1 compound heterozygote.

Counsyl
Classification: Likely pathogenic for Charlevoix-Saguenay spastic ataxia. Last evaluated: 2015-12-28. Review status: no assertion criteria provided. Collection method: clinical testing. Allele origin: unknown. Not counted in ClinVar's aggregate classification.